The following is an entry in ClinVar:

ClinVar aggregate classification (germline): Uncertain significance (1 of 4 stars; one submission).

gnomAD v4.1: 1 of 1,605,934 alleles (0.000062%); highest among the groups gnomAD compares: Non-Finnish European, 0.000085%; no homozygotes.

Submission:

GeneDx
Classification: Uncertain significance. Last evaluated: 2024-02-21. Review status: criteria provided, single submitter. Criteria: GeneDx Variant Classification Process June 2021. Collection method: clinical testing. Allele origin: germline. Affected: yes.
Comment: Has not been previously published as pathogenic or benign to our knowledge; Not observed at significant frequency in large population cohorts (gnomAD); In silico analysis supports that this missense variant has a deleterious effect on protein structure/function

NM_001374353.1(GLI2):c.4067C>T (p.Pro1356Leu)

Gene: GLI2 (GLI family zinc finger 2; plus strand). Cytogenetic location: 2q14.2.
Variant type: single nucleotide variant.
Coding change: c.4067C>T on transcript NM_001374353.1 (MANE Select); coding-DNA position 4067, C replaced by T.
Protein change: p.Pro1356Leu; replaces proline 1356 with leucine.
Molecular consequence: missense variant.
Genome position (GRCh38, 1-based): chr2:120,990,032, C>T. VCF-style: chr2-120990032-C-T. GRCh37 (hg19) VCF-style: chr2-121747608-C-T.
Other names: c.4118C>T, p.Pro1373Leu (NM_001371271.1, NM_005270.5); c.3692C>T, p.Pro1231Leu (NM_001374354.1); short protein forms P1231L, P1356L, P1373L.
Identifiers: ClinVar variation 3369495 (VCV003369495.1).